The following is an entry in ClinVar:

NM_004995.4(MMP14):c.1406G>A (p.Gly469Asp)

Gene: MMP14 (matrix metallopeptidase 14; plus strand). Cytogenetic location: 14q11.2.
Variant type: single nucleotide variant.
Coding change: c.1406G>A on transcript NM_004995.4 (MANE Select); coding-DNA position 1406, G replaced by A.
Protein change: p.Gly469Asp; replaces glycine 469 with aspartic acid.
Molecular consequence: missense variant.
Genome position (GRCh38, 1-based): chr14:22,845,355, G>A. VCF-style: chr14-22845355-G-A. GRCh37 (hg19) VCF-style: chr14-23314564-G-A.
Other names: c.1406G>A (NM_004995.2); short protein forms G469D.
Identifiers: ClinVar variation 1487480 (VCV001487480.10), dbSNP rs781662896, ClinGen allele CA7105462.

ClinVar aggregate classification (germline): Uncertain significance. Review status: criteria provided, multiple submitters, no conflicts (2 of 4 stars). 2 submissions from 2 submitters: Uncertain significance (2). Last evaluated 2025-10-15.

Conditions:
Inborn genetic diseases. Identifiers: MedGen C0950123, MeSH D030342.

Allele frequency attached by ClinVar (database versions not stated): ExAC 0.00001; gnomAD 0.00001; gnomAD exomes 0.00001; TOPMed 0.00001.
gnomAD v4.1: 27 of 1,607,586 alleles (0.0017%); highest among the groups gnomAD compares: Non-Finnish European, 0.0023%; no homozygotes.

Submissions (2):

Ambry Genetics
Classification: Uncertain significance for Inborn genetic diseases. Last evaluated: 2025-10-15. Review status: criteria provided, single submitter. Criteria: Ambry Variant Classification Scheme 2023. Collection method: clinical testing. Allele origin: germline.

Labcorp Genetics (formerly Invitae), Labcorp
Classification: Uncertain significance. Last evaluated: 2025-05-26. Review status: criteria provided, single submitter. Criteria: Invitae Variant Classification Sherloc (09022015). Collection method: clinical testing. Allele origin: germline.
Comment: This sequence change replaces glycine, which is neutral and non-polar, with aspartic acid, which is acidic and polar, at codon 469 of the MMP14 protein (p.Gly469Asp). The frequency data for this variant in the population databases is considered unreliable, as metrics indicate poor data quality at this position in the gnomAD database. This variant has not been reported in the literature in individuals affected with MMP14-related conditions. ClinVar contains an entry for this variant (Variation ID: 1487480). Invitae Evidence Modeling of protein sequence and biophysical properties (such as structural, functional, and spatial information, amino acid conservation, physicochemical variation, residue mobility, and thermodynamic stability) indicates that this missense variant is not expected to disrupt MMP14 protein function with a negative predictive value of 80%. In summary, the available evidence is currently insufficient to determine the role of this variant in disease. Therefore, it has been classified as a Variant of Uncertain Significance.